The following is an entry in ClinVar:

ClinVar aggregate classification (germline): Uncertain significance (1 of 4 stars; one submission).

Allele frequency attached by ClinVar (database versions not stated): gnomAD 0.00003; ExAC 0.00004; 1000 Genomes Project 0.00020; 1000 Genomes Project 30x 0.00031.
gnomAD v4.1: 9 of 1,613,844 alleles (0.00056%); highest among the groups gnomAD compares: East Asian, 0.0022%; no homozygotes.

Submission:

Labcorp Genetics (formerly Invitae), Labcorp
Classification: Uncertain significance. Last evaluated: 2022-03-14. Review status: criteria provided, single submitter. Criteria: Invitae Variant Classification Sherloc (09022015). Collection method: clinical testing. Allele origin: germline.
Comment: In summary, the available evidence is currently insufficient to determine the role of this variant in disease. Therefore, it has been classified as a Variant of Uncertain Significance. Algorithms developed to predict the effect of missense changes on protein structure and function output the following: SIFT: "Tolerated"; PolyPhen-2: "Benign"; Align-GVGD: "Class C0". The glutamine amino acid residue is found in multiple mammalian species, which suggests that this missense change does not adversely affect protein function. This variant has not been reported in the literature in individuals affected with OBSL1-related conditions. The frequency data for this variant in the population databases is considered unreliable, as metrics indicate poor data quality at this position in the gnomAD database. This sequence change replaces arginine, which is basic and polar, with glutamine, which is neutral and polar, at codon 1432 of the OBSL1 protein (p.Arg1432Gln).

NM_015311.3(OBSL1):c.4295G>A (p.Arg1432Gln)

Gene: OBSL1 (obscurin like cytoskeletal adaptor 1; minus strand). Cytogenetic location: 2q35.
Variant type: single nucleotide variant.
Coding change: c.4295G>A on transcript NM_015311.3 (MANE Select); coding-DNA position 4295, G replaced by A.
Protein change: p.Arg1432Gln; replaces arginine 1432 with glutamine.
Molecular consequence: missense variant.
Genome position (GRCh38, 1-based): chr2:219,556,495, C>T on the plus strand (G>A on the coding strand, the complement: OBSL1 is on the minus strand). VCF-style: chr2-219556495-C-T. GRCh37 (hg19) VCF-style: chr2-220421217-C-T.
Other names: c.4295G>A, p.Arg1432Gln (NM_001173431.2); short protein forms R1432Q.
Identifiers: ClinVar variation 1980156 (VCV001980156.3), dbSNP rs577345387, ClinGen allele CA2130606.